The following is an entry in ClinVar:

ClinVar aggregate classification (germline): Uncertain significance (1 of 4 stars; one submission).

gnomAD v4.1: 4 of 1,614,148 alleles (0.00025%); highest among the groups gnomAD compares: Admixed American, 0.005%; no homozygotes.

Submission:

Ambry Genetics
Classification: Uncertain significance. Last evaluated: 2025-07-25. Review status: criteria provided, single submitter. Criteria: Ambry Variant Classification Scheme 2023. Collection method: clinical testing. Allele origin: germline.
Comment: The p.N1000D variant (also known as c.2998A>G), located in coding exon 1 of the TET2 gene, results from an A to G substitution at nucleotide position 2998. The asparagine at codon 1000 is replaced by aspartic acid, an amino acid with highly similar properties. This amino acid position is conserved. In addition, this alteration is predicted to be tolerated by in silico analysis. Based on the available evidence, the clinical significance of this variant remains unclear.

NM_001127208.3(TET2):c.2998A>G (p.Asn1000Asp)

Genes: TET2 (tet methylcytosine dioxygenase 2; plus strand), TET2-AS1 (TET2 antisense RNA 1; minus strand). Cytogenetic location: 4q24.
Variant type: single nucleotide variant.
Coding change: c.2998A>G on transcript NM_001127208.3 (MANE Select); coding-DNA position 2998, A replaced by G.
Protein change: p.Asn1000Asp; replaces asparagine 1000 with aspartic acid.
Molecular consequence: missense variant.
Genome position (GRCh38, 1-based): chr4:105,236,940, A>G. VCF-style: chr4-105236940-A-G. GRCh37 (hg19) VCF-style: chr4-106158097-A-G.
Other names: c.2998A>G, p.Asn1000Asp (NM_017628.4); short protein forms N1000D.
Identifiers: ClinVar variation 4182989 (VCV004182989.1).